The following is an entry in ClinVar:

ClinVar aggregate classification (germline): Conflicting classifications of pathogenicity. Review status: criteria provided, conflicting classifications (1 of 4 stars). 2 submissions from 2 submitters: Uncertain significance (1); Likely benign (1). Last evaluated 2024-12-31.

Conditions:
Hereditary cancer-predisposing syndrome. Also called: Hereditary neoplastic syndrome; Neoplastic Syndromes, Hereditary; Tumor predisposition; Hereditary Cancer Syndrome. Identifiers: Orphanet 140162, MedGen C0027672, MeSH D009386, MONDO:0015356.
Hereditary breast ovarian cancer syndrome. Also called: Hereditary breast and/or ovarian cancer syndrome; Hereditary breast and ovarian cancer syndrome; Hereditary breast and ovarian cancer syndrome (HBOC); Breast and ovarian cancer; BRCA1- and BRCA2-Associated Hereditary Breast and Ovarian Cancer; Hereditary breast and ovarian cancer. Identifiers: Orphanet 145, MedGen C0677776, MeSH D061325, MONDO:0003582. Disease mechanism: loss of function.

Submissions (2):

Labcorp Genetics (formerly Invitae), Labcorp
Classification: Uncertain significance for Hereditary breast ovarian cancer syndrome. Last evaluated: 2024-12-31. Review status: criteria provided, single submitter. Criteria: Invitae Variant Classification Sherloc (09022015). Collection method: clinical testing. Allele origin: germline.
Comment: This sequence change replaces isoleucine, which is neutral and non-polar, with valine, which is neutral and non-polar, at codon 1247 of the BRCA2 protein (p.Ile1247Val). This variant is not present in population databases (gnomAD no frequency). This variant has not been reported in the literature in individuals affected with BRCA2-related conditions. ClinVar contains an entry for this variant (Variation ID: 1004040). Invitae Evidence Modeling of protein sequence and biophysical properties (such as structural, functional, and spatial information, amino acid conservation, physicochemical variation, residue mobility, and thermodynamic stability) indicates that this missense variant is not expected to disrupt BRCA2 protein function with a negative predictive value of 95%. In summary, the available evidence is currently insufficient to determine the role of this variant in disease. Therefore, it has been classified as a Variant of Uncertain Significance.

University of Washington Department of Laboratory Medicine, University of Washington
Classification: Likely benign for Hereditary cancer-predisposing syndrome. Last evaluated: 2023-03-23. Review status: criteria provided, single submitter. Criteria: Dines et al. (Genet Med. 2020). Collection method: curation. Allele origin: germline.
Comment: Missense variant in a coldspot region where missense variants are very unlikely to be pathogenic (PMID:31911673).

BRCA2 exon 11 coldspot. Reclassification based on statistical prior probability.

NM_000059.4(BRCA2):c.3739A>G (p.Ile1247Val)

Gene: BRCA2 (BRCA2 DNA repair associated; plus strand). Cytogenetic location: 13q13.1.
Variant type: single nucleotide variant.
Coding change: c.3739A>G on transcript NM_000059.4 (MANE Select); coding-DNA position 3739, A replaced by G.
Protein change: p.Ile1247Val; replaces isoleucine 1247 with valine.
Molecular consequence: missense variant.
Genome position (GRCh38, 1-based): chr13:32,338,094, A>G. VCF-style: chr13-32338094-A-G. GRCh37 (hg19) VCF-style: chr13-32912231-A-G.
Other names: short protein forms I1247V.
Identifiers: ClinVar variation 1004040 (VCV001004040.10), dbSNP rs2072487518, ClinGen allele CA387778141.